The following is an entry in ClinVar:

NM_000123.4(ERCC5):c.433G>A (p.Val145Ile)

Genes: BIVM-ERCC5 (BIVM-ERCC5 readthrough; plus strand), ERCC5 (ERCC excision repair 5, endonuclease; plus strand). Cytogenetic location: 13q33.1.
Variant type: single nucleotide variant.
Coding change: c.433G>A on transcript NM_000123.4 (MANE Select); coding-DNA position 433, G replaced by A.
Protein change: p.Val145Ile; replaces valine 145 with isoleucine.
Molecular consequence: missense variant.
Genome position (GRCh38, 1-based): chr13:102,854,340, G>A. VCF-style: chr13-102854340-G-A. GRCh37 (hg19) VCF-style: chr13-103506690-G-A.
Other names: c.1795G>A, p.Val599Ile (NM_001204425.2); short protein forms V145I, V599I.
Identifiers: ClinVar variation 134178 (VCV000134178.19), dbSNP rs4987063, ClinGen allele CA159014.
Genomic context (GRCh38, chr13:102,854,340, plus strand): 5'-CTTTCCAGAGATGAAGCACTACCCAGTCTTACCCAAGTTCGAAGAGAAAACGACCTCTAT[G>A]TTTTGCCTCCTTTACAAGAGGAAGAAAAACACAGGTAAATGTTTAACTATTTAAGAATAT-3'
Protein context (NP_000114.3, residues 135-155): TQVRRENDLY[Val145Ile]LPPLQEEEKH

ClinVar aggregate classification (germline): Benign/Likely benign. Review status: criteria provided, multiple submitters, no conflicts (2 of 4 stars). 5 submissions from 5 submitters: Benign (2); Likely benign (2). 1 of the submissions does not count toward it. Last evaluated 2026-01-28.

Conditions:
Xeroderma pigmentosum, group G (XPG). Also called: ERCC5-Related Xeroderma Pigmentosum; XP, GROUP G; Xeroderma pigmentosum type 7; XERODERMA PIGMENTOSUM VII. Identifiers: MedGen C0268141, MONDO:0010216, OMIM 278780.

Allele frequency attached by ClinVar (database versions not stated): gnomAD exomes 0.00061 and 0.00160; ExAC 0.00202; gnomAD 0.00639 and 0.00693; 1000 Genomes Project 0.00699; ESP Exome Variant Server 0.00700; TOPMed 0.00725; 1000 Genomes Project 30x 0.00750.
gnomAD v4.1: 1,899 of 1,614,106 alleles (0.12%); highest among the groups gnomAD compares: African/African-American, 2.3%; 28 homozygotes.

Submissions (5):

Labcorp Genetics (formerly Invitae), Labcorp
Classification: Benign. Last evaluated: 2026-01-28. Review status: criteria provided, single submitter. Criteria: Invitae Variant Classification Sherloc (09022015). Collection method: clinical testing. Allele origin: germline.

GeneDx
Classification: Likely benign. Last evaluated: 2024-10-17. Review status: criteria provided, single submitter. Criteria: GeneDx Variant Classification Process June 2021. Collection method: clinical testing. Allele origin: germline. Affected: yes.
Comment: See Variant Classification Assertion Criteria.

Illumina Laboratory Services, Illumina
Classification: Benign for Xeroderma pigmentosum, group G. Last evaluated: 2018-01-12. Review status: criteria provided, single submitter. Criteria: ICSL Variant Classification Criteria 13 December 2019. Collection method: clinical testing. Allele origin: germline.
Comment: This variant was observed in the ICSL laboratory as part of a predisposition screen in an ostensibly healthy population. It had not been previously curated by ICSL or reported in the Human Gene Mutation Database (HGMD: prior to June 1st, 2018), and was therefore a candidate for classification through an automated scoring system. Utilizing variant allele frequency, disease prevalence and penetrance estimates, and inheritance mode, an automated score was calculated to assess if this variant is too frequent to cause the disease. Based on the score and internal cut-off values, a variant classified as benign is not then subjected to further curation. The score for this variant resulted in a classification of benign for this disease.

Breakthrough Genomics
Classification: Likely benign. Review status: criteria provided, single submitter. Criteria: ACMG Guidelines, 2015. Collection method: not provided. Allele origin: germline. Inheritance: Autosomal recessive inheritance. Affected: yes.

ITMI
No classification provided. Condition: AllHighlyPenetrant. Last evaluated: 2013-09-19. Review status: no classification provided. Collection method: reference population. Allele origin: germline. Not counted in ClinVar's aggregate classification.
Comment: Please see associated publication for description of ethnicities

Literature cited by the submitters: PubMed 24728327 (cited by ITMI).